The following is an entry in ClinVar:

ClinVar aggregate classification (germline): Conflicting classifications of pathogenicity. Review status: criteria provided, conflicting classifications (1 of 4 stars). 4 submissions from 4 submitters: Uncertain significance (1); Likely benign (3). Last evaluated 2025-12-08.

Conditions:
Deficiency of malonyl-CoA decarboxylase. Also called: Malonic aciduria; MCD deficiency. Identifiers: Orphanet 943, MedGen C0342793, MONDO:0009556, OMIM 248360.

Allele frequency attached by ClinVar (database versions not stated): 1000 Genomes Project 0.00020; 1000 Genomes Project 30x 0.00031; TOPMed 0.00037; ESP Exome Variant Server 0.00039; gnomAD 0.00055 and 0.00064; gnomAD exomes 0.00091; ExAC 0.00092.
gnomAD v4.1: 1,203 of 1,612,932 alleles (0.075%); highest among the groups gnomAD compares: South Asian, 0.36%; 3 homozygotes.

Submissions (4):

Labcorp Genetics (formerly Invitae), Labcorp
Classification: Likely benign for Deficiency of malonyl-CoA decarboxylase. Last evaluated: 2025-12-08. Review status: criteria provided, single submitter. Criteria: Invitae Variant Classification Sherloc (09022015). Collection method: clinical testing. Allele origin: germline.

Mayo Clinic Laboratories, Mayo Clinic
Classification: Likely benign. Last evaluated: 2025-03-04. Review status: criteria provided, single submitter. Criteria: ACMG Guidelines, 2015. Collection method: clinical testing. Allele origin: germline. Observed: 1 variant allele.
Comment: BS1, BP4, BP7

Blueprint Genetics
Classification: Likely benign. Last evaluated: 2024-11-25. Review status: criteria provided, single submitter. Criteria: ACMG Guidelines, 2015. Collection method: clinical testing. Allele origin: germline.

Illumina Laboratory Services, Illumina
Classification: Uncertain significance for Deficiency of malonyl-CoA decarboxylase. Last evaluated: 2018-01-13. Review status: criteria provided, single submitter. Criteria: ICSL Variant Classification Criteria 13 December 2019. Collection method: clinical testing. Allele origin: germline.

NM_012213.3(MLYCD):c.1236C>T (p.Arg412=)

Gene: MLYCD (malonyl-CoA decarboxylase; plus strand). Cytogenetic location: 16q23.3.
Variant type: single nucleotide variant.
Coding change: c.1236C>T on transcript NM_012213.3 (MANE Select); coding-DNA position 1236, C replaced by T.
Protein change: p.Arg412=; no amino-acid change (arginine 412 retained).
Molecular consequence: synonymous variant.
Genome position (GRCh38, 1-based): chr16:83,915,243, C>T. VCF-style: chr16-83915243-C-T. GRCh37 (hg19) VCF-style: chr16-83948848-C-T.
Other names: p.Arg412=.
Identifiers: ClinVar variation 460443 (VCV000460443.20), dbSNP rs370278897, ClinGen allele CA8197560.